The following is an entry in ClinVar:

NM_001903.5(CTNNA1):c.2428T>C (p.Ser810Pro)

Gene: CTNNA1 (catenin alpha 1; plus strand). Cytogenetic location: 5q31.2.
Variant type: single nucleotide variant.
Coding change: c.2428T>C on transcript NM_001903.5 (MANE Select); coding-DNA position 2428, T replaced by C.
Protein change: p.Ser810Pro; replaces serine 810 with proline.
Molecular consequence: missense variant. On other transcripts: intron variant (1).
Genome position (GRCh38, 1-based): chr5:138,932,707, T>C. VCF-style: chr5-138932707-T-C. GRCh37 (hg19) VCF-style: chr5-138268396-T-C.
Other names: c.1318T>C, p.Ser440Pro (NM_001323996.1, NM_001323997.1, NM_001323998.1 and 16 more transcripts); c.979T>C, p.Ser327Pro (NM_001324006.1, NM_001324007.1, NM_001324008.1 and 2 more transcripts); c.2428T>C, p.Ser810Pro (NM_001290307.3, NM_001323982.2, NM_001323983.1 and 2 more transcripts); c.2119T>C, p.Ser707Pro (NM_001290309.3); c.2059T>C, p.Ser687Pro (NM_001290310.3); c.2335T>C, p.Ser779Pro (NM_001323986.2); c.1225T>C, p.Ser409Pro (NM_001324011.1); c.1075T>C, p.Ser359Pro (NM_001324012.1, NM_001324013.1); and 1 more; short protein forms S779P, S810P, S409P, S440P, S687P, S707P, S327P, S359P.
Identifiers: ClinVar variation 4235628 (VCV004235628.1).

ClinVar aggregate classification (germline): Uncertain significance (1 of 4 stars; one submission).

Conditions:
Hereditary cancer-predisposing syndrome. Also called: Hereditary Cancer Syndrome; Hereditary neoplastic syndrome; Neoplastic Syndromes, Hereditary; Tumor predisposition. Identifiers: Orphanet 140162, MedGen C0027672, MeSH D009386, MONDO:0015356.

Submission:

Ambry Genetics
Classification: Uncertain significance for Hereditary cancer-predisposing syndrome. Last evaluated: 2025-06-19. Review status: criteria provided, single submitter. Criteria: Ambry Variant Classification Scheme 2023. Collection method: clinical testing. Allele origin: germline.
Comment: The p.S810P variant (also known as c.2428T>C), located in coding exon 16 of the CTNNA1 gene, results from a T to C substitution at nucleotide position 2428. The serine at codon 810 is replaced by proline, an amino acid with similar properties. This amino acid position is conserved. In addition, this alteration is predicted to be deleterious by in silico analysis. Based on the available evidence, the clinical significance of this variant remains unclear.